The following is an entry in ClinVar:

NM_014319.5(LEMD3):c.796G>A (p.Asp266Asn)

Gene: LEMD3 (LEM domain containing 3; plus strand). Cytogenetic location: 12q14.3.
Variant type: single nucleotide variant.
Coding change: c.796G>A on transcript NM_014319.5 (MANE Select); coding-DNA position 796, G replaced by A.
Protein change: p.Asp266Asn; replaces aspartic acid 266 with asparagine.
Molecular consequence: missense variant.
Genome position (GRCh38, 1-based): chr12:65,170,392, G>A. VCF-style: chr12-65170392-G-A. GRCh37 (hg19) VCF-style: chr12-65564172-G-A.
Other names: c.796G>A, p.Asp266Asn (NM_001167614.2); short protein forms D266N.
Identifiers: ClinVar variation 1896159 (VCV001896159.5), dbSNP rs1434395223, ClinGen allele CA385674029.

ClinVar aggregate classification (germline): Uncertain significance (1 of 4 stars; one submission).

Allele frequency attached by ClinVar (database versions not stated): gnomAD exomes 0.00001; TOPMed 0.00001; gnomAD 0.00002.
gnomAD v4.1: 14 of 1,613,960 alleles (0.00087%); highest among the groups gnomAD compares: Non-Finnish European, 0.0012%; no homozygotes.

Submission:

Labcorp Genetics (formerly Invitae), Labcorp
Classification: Uncertain significance. Last evaluated: 2023-10-05. Review status: criteria provided, single submitter. Criteria: Invitae Variant Classification Sherloc (09022015). Collection method: clinical testing. Allele origin: germline.
Comment: This sequence change replaces aspartic acid, which is acidic and polar, with asparagine, which is neutral and polar, at codon 266 of the LEMD3 protein (p.Asp266Asn). This variant is present in population databases (no rsID available, gnomAD 0.002%). This variant has not been reported in the literature in individuals affected with LEMD3-related conditions. ClinVar contains an entry for this variant (Variation ID: 1896159). Advanced modeling of protein sequence and biophysical properties (such as structural, functional, and spatial information, amino acid conservation, physicochemical variation, residue mobility, and thermodynamic stability) performed at Invitae indicates that this missense variant is not expected to disrupt LEMD3 protein function. In summary, the available evidence is currently insufficient to determine the role of this variant in disease. Therefore, it has been classified as a Variant of Uncertain Significance.